The following is an entry in ClinVar:

NM_001367823.1(ARHGEF18):c.968-256G>T

Gene: ARHGEF18 (Rho/Rac guanine nucleotide exchange factor 18; plus strand). Cytogenetic location: 19p13.2.
Variant type: single nucleotide variant.
Coding change: c.968-256G>T on transcript NM_001367823.1 (MANE Select); 256 bases into the intron before coding-DNA position 968, G replaced by T.
Molecular consequence: intron variant. On other transcripts: 5 prime UTR variant (1).
Genome position (GRCh38, 1-based): chr19:7,440,088, G>T. VCF-style: chr19-7440088-G-T. GRCh37 (hg19) VCF-style: chr19-7504974-G-T.
Other names: c.-15G>T (NM_001130955.2); c.-226-101G>T (NM_001367824.1); c.-71-256G>T (NM_015318.4).
Identifiers: ClinVar variation 1714014 (VCV001714014.5), dbSNP rs2512437050, ClinGen allele CA403093313.

ClinVar aggregate classification (germline): Uncertain significance (1 of 4 stars; one submission).

Submission:

Labcorp Genetics (formerly Invitae), Labcorp
Classification: Uncertain significance. Last evaluated: 2022-07-27. Review status: criteria provided, single submitter. Criteria: Invitae Variant Classification Sherloc (09022015). Collection method: clinical testing. Allele origin: germline.
Comment: In summary, the available evidence is currently insufficient to determine the role of this variant in disease. Therefore, it has been classified as a Variant of Uncertain Significance. Algorithms developed to predict the effect of missense changes on protein structure and function (SIFT, PolyPhen-2, Align-GVGD) all suggest that this variant is likely to be tolerated. This variant has not been reported in the literature in individuals affected with ARHGEF18-related conditions. This variant is not present in population databases (gnomAD no frequency). This sequence change replaces alanine, which is neutral and non-polar, with serine, which is neutral and polar, at codon 50 of the ARHGEF18 protein (p.Ala50Ser).